The following is an entry in ClinVar:

ClinVar aggregate classification (germline): Conflicting classifications of pathogenicity. Review status: criteria provided, conflicting classifications (1 of 4 stars). 7 submissions from 7 submitters: Uncertain significance (5); Likely benign (2). Last evaluated 2025-12-08.

Conditions:
Long QT syndrome (LQTS). Identifiers: MedGen C0023976, MeSH D008133, MONDO:0002442. Disease mechanism: loss of function. Inheritance: Various modes of inheritance.
Cardiac arrhythmia, ankyrin-B-related. Also called: ANKYRIN-B SYNDROME. Identifiers: Orphanet 101016, Orphanet 768, MedGen C1970119, MONDO:0010958, OMIM 600919.
Cardiovascular phenotype. Identifiers: MedGen CN230736.

Allele frequency attached by ClinVar (database versions not stated): TOPMed 0.00006; gnomAD exomes 0.00009 and 0.00010; ExAC 0.00010; gnomAD 0.00011 and 0.00012; ESP Exome Variant Server 0.00015.
gnomAD v4.1: 155 of 1,614,010 alleles (0.0096%); highest among the groups gnomAD compares: Non-Finnish European, 0.012%; no homozygotes.

Submissions (7):

Labcorp Genetics (formerly Invitae), Labcorp
Classification: Uncertain significance for Long QT syndrome. Last evaluated: 2025-12-08. Review status: criteria provided, single submitter. Criteria: Invitae Variant Classification Sherloc (09022015). Collection method: clinical testing. Allele origin: germline.
Comment: This sequence change replaces isoleucine, which is neutral and non-polar, with leucine, which is neutral and non-polar, at codon 3285 of the ANK2 protein (p.Ile3285Leu). This variant is present in population databases (rs144603824, gnomAD 0.02%). This variant has not been reported in the literature in individuals affected with ANK2-related conditions. ClinVar contains an entry for this variant (Variation ID: 222504). An algorithm developed to predict the effect of missense changes on protein structure and function (PolyPhen-2) suggests that this variant is likely to be disruptive. In summary, the available evidence is currently insufficient to determine the role of this variant in disease. Therefore, it has been classified as a Variant of Uncertain Significance.

Molecular Diagnostic Laboratory for Inherited Cardiovascular Disease, Montreal Heart Institute
Classification: Uncertain significance for Cardiovascular phenotype. Last evaluated: 2025-04-08. Review status: criteria provided, single submitter. Criteria: ACMG Guidelines, 2015. Collection method: clinical testing. Allele origin: germline. Affected: yes.

GeneDx
Classification: Uncertain significance. Last evaluated: 2024-09-10. Review status: criteria provided, single submitter. Criteria: GeneDx Variant Classification Process June 2021. Collection method: clinical testing. Allele origin: germline. Affected: yes.
Comment: Has not been previously published as pathogenic or benign to our knowledge; In silico analysis indicates that this missense variant does not alter protein structure/function

Blueprint Genetics
Classification: Likely benign. Last evaluated: 2023-10-23. Review status: criteria provided, single submitter. Criteria: ACMG Guidelines, 2015. Collection method: clinical testing. Allele origin: germline.

Ambry Genetics
Classification: Likely benign for Cardiovascular phenotype. Last evaluated: 2023-06-02. Review status: criteria provided, single submitter. Criteria: Ambry Variant Classification Scheme 2023. Collection method: clinical testing. Allele origin: germline.

Fulgent Genetics
Classification: Uncertain significance for Cardiac arrhythmia, ankyrin-B-related. Last evaluated: 2021-09-28. Review status: criteria provided, single submitter. Criteria: ACMG Guidelines, 2015. Collection method: clinical testing. Allele origin: unknown.

Illumina Laboratory Services, Illumina
Classification: Uncertain significance for Cardiac arrhythmia, ankyrin-B-related. Last evaluated: 2018-01-13. Review status: criteria provided, single submitter. Criteria: ICSL Variant Classification Criteria 13 December 2019. Collection method: clinical testing. Allele origin: germline.

Literature cited by the submitters: PubMed 29784605 (cited by Ambry Genetics).

NM_001148.6(ANK2):c.9853A>C (p.Ile3285Leu)

Gene: ANK2 (ankyrin 2; plus strand). Cytogenetic location: 4q26.
Variant type: single nucleotide variant.
Coding change: c.9853A>C on transcript NM_001148.6 (MANE Select); coding-DNA position 9853, A replaced by C.
Protein change: p.Ile3285Leu; replaces isoleucine 3285 with leucine.
Molecular consequence: missense variant. On other transcripts: intron variant (68).
Genome position (GRCh38, 1-based): chr4:113,358,471, A>C. VCF-style: chr4-113358471-A-C. GRCh37 (hg19) VCF-style: chr4-114279627-A-C.
Other names: c.9853A>C (NM_001148.5); c.9619A>C, p.Ile3207Leu (NM_001386142.1); c.6253A>C, p.Ile2085Leu (NM_001386166.1); c.9994A>C, p.Ile3332Leu (NM_001386174.1); c.9970A>C, p.Ile3324Leu (NM_001386175.1); c.4412-2352A>C (NM_001386186.2, NM_001386148.2); c.4214-2352A>C (NM_001354269.3); c.4292-2352A>C (NM_001386187.2); and 36 more; short protein forms I3285L, I2085L, I3207L, I3324L, I3332L.
Identifiers: ClinVar variation 222504 (VCV000222504.23), dbSNP rs144603824, ClinGen allele CA353919.